The following is an entry in ClinVar:

ClinVar aggregate classification (germline): Pathogenic (1 of 4 stars; one submission).

Conditions:
Primary ciliary dyskinesia 28. Also called: CILIARY DYSKINESIA, PRIMARY, 28, WITH OR WITHOUT SITUS INVERSUS. Identifiers: Orphanet 244, MedGen C3809706, MONDO:0014216, OMIM 615505.

Submission:

Labcorp Genetics (formerly Invitae), Labcorp
Classification: Pathogenic for Primary ciliary dyskinesia 28. Last evaluated: 2023-12-06. Review status: criteria provided, single submitter. Criteria: Invitae Variant Classification Sherloc (09022015). Collection method: clinical testing. Allele origin: germline.
Comment: This sequence change creates a premature translational stop signal (p.Met529Valfs*9) in the SPAG1 gene. It is expected to result in an absent or disrupted protein product. Loss-of-function variants in SPAG1 are known to be pathogenic (PMID: 24055112). This variant is not present in population databases (gnomAD no frequency). This variant has not been reported in the literature in individuals affected with SPAG1-related conditions. ClinVar contains an entry for this variant (Variation ID: 1992486). For these reasons, this variant has been classified as Pathogenic.

Literature cited by the submitters: PubMed 24055112.

NM_003114.5(SPAG1):c.1584_1606del (p.Met529fs)

Gene: SPAG1 (sperm associated antigen 1; plus strand). Cytogenetic location: 8q22.2.
Variant type: Deletion.
Coding change: c.1584_1606del on transcript NM_003114.5 (MANE Select); coding-DNA positions 1584 to 1606, 23 bases deleted (GATGGCCTATGAAACTCTAGAGC).
Protein change: p.Met529fs; shifts the reading frame from methionine 529.
Molecular consequence: frameshift variant.
Genome position (GRCh38, 1-based): chr8:100,220,327-100,220,349, GATGGCCTATGAAACTCTAGAGC deleted; deleting any 23 consecutive bases within chr8:100,220,325-100,220,349 gives the same sequence; the c. name uses the placement nearest the transcript's 3' end. VCF-style (leftmost placement, unchanged base first): chr8-100220324-GGCGATGGCCTATGAAACTCTAGA-G. GRCh37 (hg19) VCF-style: chr8-101232552-GGCGATGGCCTATGAAACTCTAGA-G.
Other names: c.1584_1606del, p.Met529fs (NM_001374321.1, NM_172218.3); short protein forms M529fs.
Identifiers: ClinVar variation 1992486 (VCV001992486.4), dbSNP rs2489513250, ClinGen allele CA2580078467.